The following is an entry in ClinVar:

ClinVar aggregate classification (germline): Uncertain significance (1 of 4 stars; one submission).

Submission:

Women's Health and Genetics/Laboratory Corporation of America, LabCorp
Classification: Uncertain significance. Last evaluated: 2025-10-09. Review status: criteria provided, single submitter. Criteria: LabCorp Variant Classification Summary - May 2015. Collection method: clinical testing. Allele origin: germline.
Comment: Variant summary: NEB c.21206A>G (p.Lys7069Arg) results in a conservative amino acid change in the encoded protein sequence. Algorithms developed to predict the effect of missense changes on protein structure and function all suggest that this variant is likely to be tolerated. Several computational tools predict a significant impact on normal splicing: Two predict the variant abolishes a 5' splicing donor site. Two predict the variant weakens a 5' donor site. However, these predictions have yet to be confirmed by functional studies. The variant was absent in 248226 control chromosomes. The available data on variant occurrences in the general population are insufficient to allow any conclusion about variant significance. To our knowledge, no occurrence of c.21206A>G in individuals affected with NEB-related conditions and no experimental evidence demonstrating its impact on protein function have been reported. No submitters have cited clinical-significance assessments for this variant to ClinVar. Based on the evidence outlined above, the variant was classified as uncertain significance.

NM_001164508.2(NEB):c.21206A>G (p.Lys7069Arg)

Gene: NEB (nebulin; minus strand). Cytogenetic location: 2q23.3.
Variant type: single nucleotide variant.
Coding change: c.21206A>G on transcript NM_001164508.2 (MANE Select); coding-DNA position 21206, A replaced by G.
Protein change: p.Lys7069Arg; replaces lysine 7069 with arginine.
Molecular consequence: missense variant.
Genome position (GRCh38, 1-based): chr2:151,537,133, T>C on the plus strand (A>G on the coding strand, the complement: NEB is on the minus strand). VCF-style: chr2-151537133-T-C. GRCh37 (hg19) VCF-style: chr2-152393647-T-C.
Other names: c.21206A>G, p.Lys7069Arg (NM_001271208.2, NM_001164507.2); c.16103A>G, p.Lys5368Arg (NM_004543.5); short protein forms K5368R, K7069R.
Identifiers: ClinVar variation 4687410 (VCV004687410.1).